The following is an entry in ClinVar:

NM_001458.5(FLNC):c.977T>C (p.Val326Ala)

Gene: FLNC (filamin C; plus strand). Cytogenetic location: 7q32.1.
Variant type: single nucleotide variant.
Coding change: c.977T>C on transcript NM_001458.5 (MANE Select); coding-DNA position 977, T replaced by C.
Protein change: p.Val326Ala; replaces valine 326 with alanine.
Molecular consequence: missense variant.
Genome position (GRCh38, 1-based): chr7:128,837,994, T>C. VCF-style: chr7-128837994-T-C. GRCh37 (hg19) VCF-style: chr7-128478048-T-C.
Other names: c.977T>C, p.Val326Ala (NM_001127487.2); c.977T>C (NM_001458.4); short protein forms V326A.
Identifiers: ClinVar variation 1044831 (VCV001044831.13), dbSNP rs570010538, ClinGen allele CA4474190.

ClinVar aggregate classification (germline): Conflicting classifications of pathogenicity. Review status: criteria provided, conflicting classifications (1 of 4 stars). 5 submissions from 5 submitters: Uncertain significance (2); Likely benign (1). 2 of the submissions do not count toward it. Last evaluated 2025-11-27.

Conditions:
Hypertrophic cardiomyopathy 26. Also called: Cardiomyopathy, familial hypertrophic, 26. Identifiers: Orphanet 75249, MedGen C4310749, MONDO:0014883, OMIM 617047.
Myofibrillar myopathy 5. Also called: Filaminopathy (type); FILAMINOPATHY, AUTOSOMAL DOMINANT. Identifiers: Orphanet 171445, MedGen C1836050, MONDO:0012289, OMIM 609524.
Distal myopathy with posterior leg and anterior hand involvement. Also called: WILLIAMS DISTAL MYOPATHY. Identifiers: Orphanet 63273, MedGen C3279722, MONDO:0013550, OMIM 614065.

Allele frequency attached by ClinVar (database versions not stated): gnomAD exomes 0.00003 and 0.00006; 1000 Genomes Project 30x 0.00016; 1000 Genomes Project 0.00020; TOPMed 0.00006; ExAC 0.00007; gnomAD 0.00002 and 0.00005.
gnomAD v4.1: 53 of 1,613,844 alleles (0.0033%); highest among the groups gnomAD compares: Middle Eastern, 0.05%; no homozygotes.

Submissions (5):

Labcorp Genetics (formerly Invitae), Labcorp
Classification: Likely benign for Distal myopathy with posterior leg and anterior hand involvement; Myofibrillar myopathy 5; Hypertrophic cardiomyopathy 26. Last evaluated: 2025-11-27. Review status: criteria provided, single submitter. Criteria: Invitae Variant Classification Sherloc (09022015). Collection method: clinical testing. Allele origin: germline.

GeneDx
Classification: Uncertain significance. Last evaluated: 2025-01-19. Review status: criteria provided, single submitter. Criteria: GeneDx Variant Classification Process June 2021. Collection method: clinical testing. Allele origin: germline.
Comment: Reported in association with hypertrophic cardiomyopathy and dilated cardiomyopathy; however, specific clinical information was not provided (PMID: 30411535, 37461109, 37466024); In silico analysis supports that this missense variant has a deleterious effect on protein structure/function; This variant is associated with the following publications: (PMID: 30411535, 37466024, 37461109)

Revvity Omics, Revvity
Classification: Uncertain significance. Last evaluated: 2021-03-29. Review status: criteria provided, single submitter. Criteria: ACMG Guidelines, 2015. Collection method: clinical testing. Allele origin: germline.

Genome Diagnostics Laboratory, University Medical Center Utrecht
Classification: Uncertain significance. Review status: no assertion criteria provided. Collection method: clinical testing. Allele origin: germline. Affected: yes. Study: VKGL Data-share Consensus. Not counted in ClinVar's aggregate classification.

Laboratory of Diagnostic Genome Analysis, Leiden University Medical Center (LUMC)
Classification: Uncertain significance. Review status: no assertion criteria provided. Collection method: clinical testing. Allele origin: germline. Affected: yes. Study: VKGL Data-share Consensus. Not counted in ClinVar's aggregate classification.